The following is an entry in ClinVar:

ClinVar aggregate classification (germline): Uncertain significance (1 of 4 stars; one submission).

Allele frequency attached by ClinVar (database versions not stated): gnomAD exomes below 0.00001.
gnomAD v4.1: 2 of 1,612,804 alleles (0.00012%); highest among the groups gnomAD compares: Non-Finnish European, 0.00017%; no homozygotes.

Submission:

Labcorp Genetics (formerly Invitae), Labcorp
Classification: Uncertain significance. Last evaluated: 2023-03-04. Review status: criteria provided, single submitter. Criteria: Invitae Variant Classification Sherloc (09022015). Collection method: clinical testing. Allele origin: germline.
Comment: In summary, the available evidence is currently insufficient to determine the role of this variant in disease. Therefore, it has been classified as a Variant of Uncertain Significance. Advanced modeling of protein sequence and biophysical properties (such as structural, functional, and spatial information, amino acid conservation, physicochemical variation, residue mobility, and thermodynamic stability) has been performed at Invitae for this missense variant, however the output from this modeling did not meet the statistical confidence thresholds required to predict the impact of this variant on CACNA1E protein function. This variant has not been reported in the literature in individuals affected with CACNA1E-related conditions. The frequency data for this variant in the population databases is considered unreliable, as metrics indicate poor data quality at this position in the gnomAD database. This sequence change replaces alanine, which is neutral and non-polar, with threonine, which is neutral and polar, at codon 707 of the CACNA1E protein (p.Ala707Thr).

NM_001205293.3(CACNA1E):c.2119G>A (p.Ala707Thr)

Gene: CACNA1E (calcium voltage-gated channel subunit alpha1 E; plus strand). Cytogenetic location: 1q25.3.
Variant type: single nucleotide variant.
Coding change: c.2119G>A on transcript NM_001205293.3 (MANE Select); coding-DNA position 2119, G replaced by A.
Protein change: p.Ala707Thr; replaces alanine 707 with threonine.
Molecular consequence: missense variant.
Genome position (GRCh38, 1-based): chr1:181,724,514, G>A. VCF-style: chr1-181724514-G-A. GRCh37 (hg19) VCF-style: chr1-181693650-G-A.
Other names: c.2119G>A, p.Ala707Thr (NM_000721.4, NM_001205294.2); short protein forms A707T.
Identifiers: ClinVar variation 2795264 (VCV002795264.3), dbSNP rs1273665569, ClinGen allele CA343628436.
Genomic context (GRCh38, chr1:181,724,514, plus strand): 5'-TAATTCATCACCCCAGACACGCTACTGAATGTGTTCTTGGCTATCGCTGTGGATAATCTC[G>A]CCAACGCCCAGGAACTGACCAAGGTAAGCATTGTTTTCTGGGGATCTGATGTTTCTCTAG-3'
Protein context (NP_001192222.1, residues 697-717): VFLAIAVDNL[Ala707Thr]NAQELTKDEQ